The following is an entry in ClinVar:

NM_181426.2(CCDC39):c.1865A>G (p.Glu622Gly)

Gene: CCDC39 (coiled-coil domain 39 molecular ruler complex subunit; minus strand). Cytogenetic location: 3q26.33.
Variant type: single nucleotide variant.
Coding change: c.1865A>G on transcript NM_181426.2 (MANE Select); coding-DNA position 1865, A replaced by G.
Protein change: p.Glu622Gly; replaces glutamic acid 622 with glycine.
Molecular consequence: missense variant.
Genome position (GRCh38, 1-based): chr3:180,642,002, T>C on the plus strand (A>G on the coding strand, the complement: CCDC39 is on the minus strand). VCF-style: chr3-180642002-T-C. GRCh37 (hg19) VCF-style: chr3-180359790-T-C.
Other names: short protein forms E622G.
Identifiers: ClinVar variation 242171 (VCV000242171.42), dbSNP rs200277460, ClinGen allele CA2715854.
Genomic context (GRCh38, chr3:180,642,002, plus strand): 5'-GACATCATCCTGTTTTTTTAATTCCTCAGCAGTTTTAAAACTGAAAATTACCTTATGTTT[T>C]CCCGTTCTTGATCAACATATCTTATTTGTGACGCAAGCATTGTTTTATGAACCTTGATTT-3'
Protein context (NP_852091.1, residues 612-632): SQIRYVDQER[Glu622Gly]NISTEFRERL

ClinVar aggregate classification (germline): Conflicting classifications of pathogenicity. Review status: criteria provided, conflicting classifications (1 of 4 stars). 6 submissions from 6 submitters: Uncertain significance (1); Likely benign (4). 1 of the submissions does not count toward it. Last evaluated 2026-01-26.

Conditions:
CCDC39-related disorder. Also called: CCDC39-related condition.
Primary ciliary dyskinesia. Also called: Ciliary dyskinesia. Identifiers: Orphanet 244, MedGen C0008780, MONDO:0016575, HP:0012265.
Primary ciliary dyskinesia 14. Also called: CILIARY DYSKINESIA, PRIMARY, 14, WITH OR WITHOUT SITUS INVERSUS. Identifiers: Orphanet 244, MedGen C3151136, MONDO:0013434, OMIM 613807.

Allele frequency attached by ClinVar (database versions not stated): 1000 Genomes Project 0.00060; 1000 Genomes Project 30x 0.00062; gnomAD exomes 0.00092 and 0.00119; TOPMed 0.00092; ESP Exome Variant Server 0.00093; ExAC 0.00099; gnomAD 0.00114 and 0.00115.
gnomAD v4.1: 1,850 of 1,579,832 alleles (0.12%); highest among the groups gnomAD compares: Non-Finnish European, 0.14%; 3 homozygotes.

Submissions (6):

Labcorp Genetics (formerly Invitae), Labcorp
Classification: Likely benign for Primary ciliary dyskinesia. Last evaluated: 2026-01-26. Review status: criteria provided, single submitter. Criteria: Invitae Variant Classification Sherloc (09022015). Collection method: clinical testing. Allele origin: germline.

CeGaT Center for Human Genetics Tuebingen
Classification: Likely benign. Last evaluated: 2025-03-01. Review status: criteria provided, single submitter. Criteria: CeGaT Center For Human Genetics Tuebingen Variant Classification Criteria Version 2. Collection method: clinical testing. Allele origin: germline. Affected: yes. Observed: 2 variant alleles.
Comment: CCDC39: BP4

Blueprint Genetics
Classification: Likely benign. Last evaluated: 2024-11-26. Review status: criteria provided, single submitter. Criteria: ACMG Guidelines, 2015. Collection method: clinical testing. Allele origin: germline.

Ambry Genetics
Classification: Likely benign for Primary ciliary dyskinesia. Last evaluated: 2023-05-03. Review status: criteria provided, single submitter. Criteria: Ambry Variant Classification Scheme 2023. Collection method: clinical testing. Allele origin: germline.

Illumina Laboratory Services, Illumina
Classification: Uncertain significance for Primary ciliary dyskinesia 14. Last evaluated: 2018-01-13. Review status: criteria provided, single submitter. Criteria: ICSL Variant Classification Criteria 13 December 2019. Collection method: clinical testing. Allele origin: germline.

PreventionGenetics, part of Exact Sciences
Classification: Likely benign for CCDC39-related condition. Last evaluated: 2024-08-14. Review status: no assertion criteria provided. Collection method: clinical testing. Allele origin: germline. Not counted in ClinVar's aggregate classification.
Comment: This variant is classified as likely benign based on ACMG/AMP sequence variant interpretation guidelines (Richards et al. 2015 PMID: 25741868, with internal and published modifications).

Literature cited by the submitters: PubMed 22499950 (cited by Ambry Genetics).